The following is an entry in ClinVar:

NM_001257180.2(SLC20A2):c.1399C>G (p.Arg467Gly)

Gene: SLC20A2 (solute carrier family 20 member 2; minus strand). Cytogenetic location: 8p11.21.
Variant type: single nucleotide variant.
Coding change: c.1399C>G on transcript NM_001257180.2 (MANE Select); coding-DNA position 1399, C replaced by G.
Protein change: p.Arg467Gly; replaces arginine 467 with glycine.
Molecular consequence: missense variant.
Genome position (GRCh38, 1-based): chr8:42,437,113, G>C on the plus strand (C>G on the coding strand, the complement: SLC20A2 is on the minus strand). VCF-style: chr8-42437113-G-C. GRCh37 (hg19) VCF-style: chr8-42294631-G-C.
Other names: c.1399C>G, p.Arg467Gly (NM_001257181.2, NM_006749.5); short protein forms R467G.
Identifiers: ClinVar variation 2136169 (VCV002136169.1), dbSNP rs1563452873, ClinGen allele CA371096771.

ClinVar aggregate classification (germline): Uncertain significance (1 of 4 stars; one submission).

Allele frequency attached by ClinVar (database versions not stated): gnomAD exomes below 0.00001.
gnomAD v4.1: 3 of 1,613,932 alleles (0.00019%); highest among the groups gnomAD compares: Non-Finnish European, 0.00025%; no homozygotes.

Submission:

GeneDx
Classification: Uncertain significance. Last evaluated: 2022-07-21. Review status: criteria provided, single submitter. Criteria: GeneDx Variant Classification Process June 2021. Collection method: clinical testing. Allele origin: germline. Affected: yes.
Comment: Not observed at significant frequency in large population cohorts (gnomAD); In silico analysis supports that this missense variant does not alter protein structure/function; Has not been previously published as pathogenic or benign to our knowledge